The following is an entry in ClinVar:

ClinVar aggregate classification (germline): Likely benign (1 of 4 stars; one submission).

Conditions:
TTC21B-related disorder. Also called: TTC21B-related disorders; TTC21B-related condition.

Submission:

PreventionGenetics, part of Exact Sciences
Classification: Likely benign for TTC21B-related condition. Last evaluated: 2026-05-14. Review status: criteria provided, single submitter. Criteria: ACMG Guidelines, 2015. Collection method: clinical testing. Allele origin: germline.
Comment: This variant is classified as likely benign based on ACMG/AMP sequence variant interpretation guidelines (Richards et al. 2015 PMID: 25741868, with internal and published modifications).

NM_024753.5(TTC21B):c.2436T>G (p.Leu812=)

Gene: TTC21B (tetratricopeptide repeat domain 21B; minus strand). Cytogenetic location: 2q24.3.
Variant type: single nucleotide variant.
Coding change: c.2436T>G on transcript NM_024753.5 (MANE Select); coding-DNA position 2436, T replaced by G.
Protein change: p.Leu812=; no amino-acid change (leucine 812 retained).
Molecular consequence: synonymous variant.
Genome position (GRCh38, 1-based): chr2:165,911,352, A>C on the plus strand (T>G on the coding strand, the complement: TTC21B is on the minus strand). VCF-style: chr2-165911352-A-C. GRCh37 (hg19) VCF-style: chr2-166767862-A-C.
Identifiers: ClinVar variation 4991125 (VCV004991125.1).